The following is an entry in ClinVar:

ClinVar aggregate classification (germline): Uncertain significance (1 of 4 stars; one submission).

Allele frequency attached by ClinVar (database versions not stated): gnomAD 0.00001; gnomAD exomes 0.00001; TOPMed 0.00001; ESP Exome Variant Server 0.00008.
gnomAD v4.1: 8 of 1,593,594 alleles (0.0005%); highest among the groups gnomAD compares: African/African-American, 0.0014%; no homozygotes.

Submission:

Labcorp Genetics (formerly Invitae), Labcorp
Classification: Uncertain significance. Last evaluated: 2022-07-06. Review status: criteria provided, single submitter. Criteria: Invitae Variant Classification Sherloc (09022015). Collection method: clinical testing. Allele origin: germline.
Comment: In summary, the available evidence is currently insufficient to determine the role of this variant in disease. Therefore, it has been classified as a Variant of Uncertain Significance. Experimental studies and prediction algorithms are not available or were not evaluated, and the functional significance of this variant is currently unknown. This variant has not been reported in the literature in individuals affected with MAP3K20-related conditions. This variant is present in population databases (rs373719708, gnomAD 0.0009%). This sequence change replaces isoleucine, which is neutral and non-polar, with valine, which is neutral and non-polar, at codon 141 of the MAP3K20 protein (p.Ile141Val).

NM_016653.3(MAP3K20):c.421A>G (p.Ile141Val)

Gene: MAP3K20 (mitogen-activated protein kinase kinase kinase 20; plus strand). Cytogenetic location: 2q31.1.
Variant type: single nucleotide variant.
Coding change: c.421A>G on transcript NM_016653.3 (MANE Select); coding-DNA position 421, A replaced by G.
Protein change: p.Ile141Val; replaces isoleucine 141 with valine.
Molecular consequence: missense variant.
Genome position (GRCh38, 1-based): chr2:173,190,900, A>G. VCF-style: chr2-173190900-A-G. GRCh37 (hg19) VCF-style: chr2-174055628-A-G.
Other names: c.421A>G, p.Ile141Val (NM_133646.3); short protein forms I141V.
Identifiers: ClinVar variation 1955584 (VCV001955584.5), dbSNP rs373719708, ClinGen allele CA60754120.